The following is an entry in ClinVar:

ClinVar aggregate classification (germline): Pathogenic (1 of 4 stars; one submission).

Conditions:
Hereditary cancer-predisposing syndrome. Also called: Tumor predisposition; Hereditary neoplastic syndrome; Hereditary Cancer Syndrome; Neoplastic Syndromes, Hereditary. Identifiers: Orphanet 140162, MedGen C0027672, MeSH D009386, MONDO:0015356.

Submission:

Ambry Genetics
Classification: Pathogenic for Hereditary cancer-predisposing syndrome. Last evaluated: 2026-02-25. Review status: criteria provided, single submitter. Criteria: Ambry Variant Classification Scheme 2023. Collection method: clinical testing. Allele origin: germline.
Comment: The c.6168delC pathogenic mutation, located in coding exon 41 of the ATM gene, results from a deletion of one nucleotide at nucleotide position 6168, causing a translational frameshift with a predicted alternate stop codon (p.S2057Hfs*25). This variant is considered to be rare based on population cohorts in the Genome Aggregation Database (gnomAD). This alteration is expected to result in loss of function by premature protein truncation or nonsense-mediated mRNA decay. As such, this alteration is interpreted as a disease-causing mutation.

NM_000051.4(ATM):c.6168del (p.Ser2057fs)

Genes: ATM (ATM serine/threonine kinase; plus strand), C11orf65 (chromosome 11 open reading frame 65; minus strand). Cytogenetic location: 11q22.3.
Variant type: Deletion.
Coding change: c.6168del on transcript NM_000051.4 (MANE Select); coding-DNA position 6168, one base deleted (C; older notation c.6168delC).
Protein change: p.Ser2057fs; shifts the reading frame from serine 2057.
Molecular consequence: frameshift variant. On other transcripts: intron variant (2).
Genome position (GRCh38, 1-based): chr11:108,316,083, C deleted; the last of 4 consecutive C bases (chr11:108,316,080-108,316,083); deleting any one gives the same sequence. VCF-style (leftmost placement, unchanged base first): chr11-108316079-TC-T. GRCh37 (hg19) VCF-style: chr11-108186806-TC-T.
Other names: c.6168del, p.Ser2057fs (NM_001351834.2); c.641-7009del (NM_001330368.2); c.*39-7009del (NM_001351110.2); short protein forms S2057fs.
Identifiers: ClinVar variation 4825533 (VCV004825533.1).
Genomic context (GRCh38, chr11:108,316,079, plus strand): 5'-CATATGAACACGAAGCAATGTGGGGCAAAGCCCTAGTAACATATGACCTCGAAACAGCAA[TC>T]CCCTCATCAACACGCCAGGCAGGAATCATTCAGGTACATTTTTTCCCAGATTTGGTAAAG-3'